The following is an entry in ClinVar:

NM_033118.4(MYLK2):c.1201A>G (p.Arg401Gly)

Gene: MYLK2 (myosin light chain kinase 2; plus strand). Cytogenetic location: 20q11.21.
Variant type: single nucleotide variant.
Coding change: c.1201A>G on transcript NM_033118.4 (MANE Select); coding-DNA position 1201, A replaced by G.
Protein change: p.Arg401Gly; replaces arginine 401 with glycine.
Molecular consequence: missense variant.
Genome position (GRCh38, 1-based): chr20:31,826,915, A>G. VCF-style: chr20-31826915-A-G. GRCh37 (hg19) VCF-style: chr20-30414718-A-G.
Other names: short protein forms R401G.
Identifiers: ClinVar variation 4826647 (VCV004826647.1).
Genomic context (GRCh38, chr20:31,826,915, plus strand): 5'-GTGGACACCATGGTGTTTGTCAGGCAGATCTGTGACGGGATCCTCTTCATGCACAAGATG[A>G]GGGTTTTGCACCTGGACCTCAAGGTACCAGACTGGGGCCTCCTGGGAAGGGTCAGGGGCA-3'
Protein context (NP_149109.1, residues 391-411): CDGILFMHKM[Arg401Gly]VLHLDLKPEN

ClinVar aggregate classification (germline): Uncertain significance (1 of 4 stars; one submission).

Submission:

Ambry Genetics
Classification: Uncertain significance. Last evaluated: 2026-03-12. Review status: criteria provided, single submitter. Criteria: Ambry Variant Classification Scheme 2023. Collection method: clinical testing. Allele origin: germline.
Comment: The p.R401G variant (also known as c.1201A>G), located in coding exon 7 of the MYLK2 gene, results from an A to G substitution at nucleotide position 1201. The arginine at codon 401 is replaced by glycine, an amino acid with dissimilar properties. This amino acid position is conserved. In addition, this alteration is predicted to be tolerated by in silico analysis. Based on the available evidence, the clinical significance of this variant remains unclear.